The following is an entry in ClinVar:

ClinVar aggregate classification (germline): Uncertain significance (1 of 4 stars; one submission).

Conditions:
Cardiovascular phenotype. Identifiers: MedGen CN230736.

Allele frequency attached by ClinVar (database versions not stated): gnomAD exomes below 0.00001; TOPMed 0.00001; ExAC 0.00005.
gnomAD v4.1: 4 of 1,571,158 alleles (0.00025%); highest among the groups gnomAD compares: East Asian, 0.009%; no homozygotes.

Submission:

Ambry Genetics
Classification: Uncertain significance for Cardiovascular phenotype. Last evaluated: 2022-03-30. Review status: criteria provided, single submitter. Criteria: Ambry Variant Classification Scheme 2023. Collection method: clinical testing. Allele origin: germline.
Comment: The p.I60V variant (also known as c.178A>G) is located in coding exon 3 of the CACNA2D1 gene. The isoleucine at codon 60 is replaced by valine, an amino acid with highly similar properties. This change occurs in the first base pair of coding exon 3. This amino acid position is conserved. In addition, this alteration is predicted to be tolerated by in silico analysis. Since supporting evidence is limited at this time, the clinical significance of this alteration remains unclear.

NM_000722.4(CACNA2D1):c.178A>G (p.Ile60Val)

Gene: CACNA2D1 (calcium voltage-gated channel auxiliary subunit alpha2delta 1; minus strand). Cytogenetic location: 7q21.11.
Variant type: single nucleotide variant.
Coding change: c.178A>G on transcript NM_000722.4 (MANE Select); coding-DNA position 178, A replaced by G.
Protein change: p.Ile60Val; replaces isoleucine 60 with valine.
Molecular consequence: missense variant.
Genome position (GRCh38, 1-based): chr7:82,335,251, T>C on the plus strand (A>G on the coding strand, the complement: CACNA2D1 is on the minus strand). VCF-style: chr7-82335251-T-C. GRCh37 (hg19) VCF-style: chr7-81964567-T-C.
Other names: c.178A>G, p.Ile60Val (NM_001302890.2, NM_001366867.1); short protein forms I60V.
Identifiers: ClinVar variation 1780162 (VCV001780162.2), dbSNP rs754212778, ClinGen allele CA4318448.